The following is an entry in ClinVar:

ClinVar aggregate classification (germline): Pathogenic. Review status: criteria provided, multiple submitters, no conflicts (2 of 4 stars). 2 submissions from 2 submitters: Pathogenic (2). Last evaluated 2024-12-31.

Conditions:
Hereditary cancer-predisposing syndrome. Also called: Neoplastic Syndromes, Hereditary; Tumor predisposition; Hereditary neoplastic syndrome; Hereditary Cancer Syndrome. Identifiers: Orphanet 140162, MedGen C0027672, MeSH D009386, MONDO:0015356.
Hereditary breast ovarian cancer syndrome. Also called: Hereditary breast and ovarian cancer syndrome (HBOC); Hereditary breast and ovarian cancer; BRCA1- and BRCA2-Associated Hereditary Breast and Ovarian Cancer; Hereditary breast and ovarian cancer syndrome; Hereditary breast and/or ovarian cancer syndrome; Breast and ovarian cancer. Identifiers: Orphanet 145, MedGen C0677776, MeSH D061325, MONDO:0003582. Disease mechanism: loss of function.

Submissions (2):

Ambry Genetics
Classification: Pathogenic for Hereditary cancer-predisposing syndrome. Last evaluated: 2024-12-31. Review status: criteria provided, single submitter. Criteria: Ambry Variant Classification Scheme 2023. Collection method: clinical testing. Allele origin: germline.
Comment: The p.L310* pathogenic mutation (also known as c.929T>G), located in coding exon 9 of the BRCA2 gene, results from a T to G substitution at nucleotide position 929. This changes the amino acid from a leucine to a stop codon within coding exon 9. This variant is considered to be rare based on population cohorts in the Genome Aggregation Database (gnomAD). This alteration is expected to result in loss of function by premature protein truncation or nonsense-mediated mRNA decay. As such, this alteration is interpreted as a disease-causing mutation.

Labcorp Genetics (formerly Invitae), Labcorp
Classification: Pathogenic for Hereditary breast ovarian cancer syndrome. Last evaluated: 2024-04-07. Review status: criteria provided, single submitter. Criteria: Invitae Variant Classification Sherloc (09022015). Collection method: clinical testing. Allele origin: germline.
Comment: This sequence change creates a premature translational stop signal (p.Leu310*) in the BRCA2 gene. It is expected to result in an absent or disrupted protein product. Loss-of-function variants in BRCA2 are known to be pathogenic (PMID: 20104584). This variant is not present in population databases (gnomAD no frequency). This variant has not been reported in the literature in individuals affected with BRCA2-related conditions. For these reasons, this variant has been classified as Pathogenic.

Literature cited by the submitters: PubMed 20104584 (cited by Labcorp Genetics (formerly Invitae), Labcorp).

NM_000059.4(BRCA2):c.929T>G (p.Leu310Ter)

Gene: BRCA2 (BRCA2 DNA repair associated; plus strand). Cytogenetic location: 13q13.1.
Variant type: single nucleotide variant.
Coding change: c.929T>G on transcript NM_000059.4 (MANE Select); coding-DNA position 929, T replaced by G.
Protein change: p.Leu310Ter; replaces leucine 310 with a stop codon.
Molecular consequence: nonsense. On other transcripts: non-coding transcript variant (1), intron variant (1).
Genome position (GRCh38, 1-based): chr13:32,332,407, T>G. VCF-style: chr13-32332407-T-G. GRCh37 (hg19) VCF-style: chr13-32906544-T-G.
Other names: c.929T>G, p.Leu310Ter (NM_001406719.1, NM_001406720.1, NM_001406721.1 and 1 more transcripts); c.424+1377T>G (NM_001406722.1); short protein forms L310*.
Identifiers: ClinVar variation 3648007 (VCV003648007.3).